The following is an entry in ClinVar:

NM_152743.4(BRAT1):c.818G>C (p.Ser273Thr)

Gene: BRAT1 (BRCA1 associated ATM activator 1; minus strand). Cytogenetic location: 7p22.3.
Variant type: single nucleotide variant.
Coding change: c.818G>C on transcript NM_152743.4 (MANE Select); coding-DNA position 818, G replaced by C.
Protein change: p.Ser273Thr; replaces serine 273 with threonine.
Molecular consequence: missense variant. On other transcripts: non-coding transcript variant (1).
Genome position (GRCh38, 1-based): chr7:2,543,309, C>G on the plus strand (G>C on the coding strand, the complement: BRAT1 is on the minus strand). VCF-style: chr7-2543309-C-G. GRCh37 (hg19) VCF-style: chr7-2582943-C-G.
Other names: c.818G>C, p.Ser273Thr (NM_001350626.2); c.293G>C, p.Ser98Thr (NM_001350627.2); short protein forms S273T, S98T.
Identifiers: ClinVar variation 3239496 (VCV003239496.19), dbSNP rs1361012976.

ClinVar aggregate classification (germline): Uncertain significance (1 of 4 stars; one submission).

gnomAD v4.1: 5 of 1,606,724 alleles (0.00031%); highest among the groups gnomAD compares: South Asian, 0.0011%; no homozygotes.

Submission:

CeGaT Center for Human Genetics Tuebingen
Classification: Uncertain significance. Last evaluated: 2024-05-01. Review status: criteria provided, single submitter. Criteria: CeGaT Center For Human Genetics Tuebingen Variant Classification Criteria Version 2. Collection method: clinical testing. Allele origin: germline. Affected: yes. Observed: 1 variant allele.
Comment: BRAT1: PM2